The following is an entry in ClinVar:

NM_014806.5(RUSC2):c.265C>T (p.Arg89Trp)

Gene: RUSC2 (RUN and SH3 domain containing 2; plus strand). Cytogenetic location: 9p13.3.
Variant type: single nucleotide variant.
Coding change: c.265C>T on transcript NM_014806.5 (MANE Select); coding-DNA position 265, C replaced by T.
Protein change: p.Arg89Trp; replaces arginine 89 with tryptophan.
Molecular consequence: missense variant. On other transcripts: non-coding transcript variant (1), intron variant (1).
Genome position (GRCh38, 1-based): chr9:35,546,786, C>T. VCF-style: chr9-35546786-C-T. GRCh37 (hg19) VCF-style: chr9-35546783-C-T.
Other names: c.265C>T, p.Arg89Trp (NM_001135999.2); c.-620-8274C>T (NM_001330740.2); c.265C>T (NM_001135999.1); short protein forms R89W.
Identifiers: ClinVar variation 1411140 (VCV001411140.6), dbSNP rs201053580, ClinGen allele CA5043432.

ClinVar aggregate classification (germline): Uncertain significance. Review status: criteria provided, multiple submitters, no conflicts (2 of 4 stars). 2 submissions from 2 submitters: Uncertain significance (2). Last evaluated 2023-11-22.

Allele frequency attached by ClinVar (database versions not stated): 1000 Genomes Project 30x 0.00016; 1000 Genomes Project 0.00020.
gnomAD v4.1: 29 of 1,608,614 alleles (0.0018%); highest among the groups gnomAD compares: Admixed American, 0.013%; no homozygotes.

Submissions (2):

Ambry Genetics
Classification: Uncertain significance. Last evaluated: 2023-11-22. Review status: criteria provided, single submitter. Criteria: Ambry Variant Classification Scheme 2023. Collection method: clinical testing. Allele origin: germline.

Labcorp Genetics (formerly Invitae), Labcorp
Classification: Uncertain significance. Last evaluated: 2022-08-23. Review status: criteria provided, single submitter. Criteria: Invitae Variant Classification Sherloc (09022015). Collection method: clinical testing. Allele origin: germline.
Comment: This sequence change replaces arginine, which is basic and polar, with tryptophan, which is neutral and slightly polar, at codon 89 of the RUSC2 protein (p.Arg89Trp). This variant is present in population databases (rs201053580, gnomAD 0.02%). This variant has not been reported in the literature in individuals affected with RUSC2-related conditions. ClinVar contains an entry for this variant (Variation ID: 1411140). Algorithms developed to predict the effect of missense changes on protein structure and function are either unavailable or do not agree on the potential impact of this missense change (SIFT: "Deleterious"; PolyPhen-2: "Benign"; Align-GVGD: "Class C0"). In summary, the available evidence is currently insufficient to determine the role of this variant in disease. Therefore, it has been classified as a Variant of Uncertain Significance.